The following is an entry in ClinVar:

NM_015073.3(SIPA1L3):c.727C>T (p.Arg243Trp)

Gene: SIPA1L3 (signal induced proliferation associated 1 like 3; plus strand). Cytogenetic location: 19q13.13.
Variant type: single nucleotide variant.
Coding change: c.727C>T on transcript NM_015073.3 (MANE Select); coding-DNA position 727, C replaced by T.
Protein change: p.Arg243Trp; replaces arginine 243 with tryptophan.
Molecular consequence: missense variant.
Genome position (GRCh38, 1-based): chr19:38,082,292, C>T. VCF-style: chr19-38082292-C-T. GRCh37 (hg19) VCF-style: chr19-38572932-C-T.
Other names: short protein forms R243W.
Identifiers: ClinVar variation 3382117 (VCV003382117.2).
Genomic context (GRCh38, chr19:38,082,292, plus strand): 5'-AACGAGTTCCGCAGCGAGCAGCCCGACGCCCGAGGGTGCCAGGCCCTCACCGAGCTCCTC[C>T]GGGCAGATCCTGGCCCACACCTCATGGGGGGCGGCGGCGGAGCCAAGGGGGACTCCCACA-3'
Protein context (NP_055888.1, residues 233-253): RGCQALTELL[Arg243Trp]ADPGPHLMGG

ClinVar aggregate classification (germline): Uncertain significance (1 of 4 stars; one submission).

Conditions:
Cataract 45 (CTRCT45). Identifiers: Orphanet 91492, MedGen C4225182, MONDO:0014799, OMIM 616851.

Submission:

Juno Genomics, Hangzhou Juno Genomics, Inc
Classification: Uncertain significance for Cataract 45. Review status: criteria provided, single submitter. Criteria: ACMG Guidelines, 2015. Collection method: clinical testing. Allele origin: germline. Affected: yes.
Comment: Absent from controls (or at extremely low frequency if recessive) in Genome Aggregation Database, Exome Sequencing Project, 1000 Genomes Project, or Exome Aggregation Consortium.